The following is an entry in ClinVar:

NM_000368.5(TSC1):c.80C>T (p.Ala27Val)

Gene: TSC1 (TSC complex subunit 1; minus strand). Cytogenetic location: 9q34.13.
Variant type: single nucleotide variant.
Coding change: c.80C>T on transcript NM_000368.5 (MANE Select); coding-DNA position 80, C replaced by T.
Protein change: p.Ala27Val; replaces alanine 27 with valine.
Molecular consequence: missense variant. On other transcripts: 5 prime UTR variant (16), non-coding transcript variant (5), intron variant (2).
Genome position (GRCh38, 1-based): chr9:132,928,793, G>A on the plus strand (C>T on the coding strand, the complement: TSC1 is on the minus strand). VCF-style: chr9-132928793-G-A. GRCh37 (hg19) VCF-style: chr9-135804180-G-A.
Other names: c.80C>T, p.Ala27Val (NM_001162427.2, NM_001406592.1, NM_001406593.1 and 21 more transcripts); c.-180C>T (NM_001362177.2, NM_001406617.1, NM_001406619.1 and 3 more transcripts); c.-272C>T (NM_001406614.1); c.-409C>T (NM_001406615.1, NM_001406623.1); c.-376C>T (NM_001406616.1, NM_001406624.1); c.-798C>T (NM_001406626.1, NM_001406627.1, NM_001406628.1); c.-940C>T (NM_001406629.1); c.-1014C>T (NM_001406630.1); and 1 more; short protein forms A27V.
Identifiers: ClinVar variation 4553745 (VCV004553745.1).

ClinVar aggregate classification (germline): Uncertain significance (1 of 4 stars; one submission).

Conditions:
Hereditary cancer-predisposing syndrome. Also called: Tumor predisposition; Hereditary Cancer Syndrome; Hereditary neoplastic syndrome; Neoplastic Syndromes, Hereditary. Identifiers: Orphanet 140162, MedGen C0027672, MeSH D009386, MONDO:0015356.

Submission:

Ambry Genetics
Classification: Uncertain significance for Hereditary cancer-predisposing syndrome. Last evaluated: 2025-10-09. Review status: criteria provided, single submitter. Criteria: Ambry Variant Classification Scheme 2023. Collection method: clinical testing. Allele origin: germline.
Comment: The p.A27V variant (also known as c.80C>T), located in coding exon 1 of the TSC1 gene, results from a C to T substitution at nucleotide position 80. The alanine at codon 27 is replaced by valine, an amino acid with similar properties. This amino acid position is not well conserved in available vertebrate species. In addition, this alteration is predicted to be tolerated by in silico analysis. Based on the available evidence, the clinical significance of this variant remains unclear.